The following is an entry in ClinVar:

NM_000552.5(VWF):c.8440T>G (p.Ter2814Gly)

Gene: VWF (von Willebrand factor; minus strand). Cytogenetic location: 12p13.31.
Variant type: single nucleotide variant.
Coding change: c.8440T>G on transcript NM_000552.5 (MANE Select); coding-DNA position 8440, T replaced by G.
Protein change: p.Ter2814Gly.
Molecular consequence: stop lost.
Genome position (GRCh38, 1-based): chr12:5,949,017, A>C on the plus strand (T>G on the coding strand, the complement: VWF is on the minus strand). VCF-style: chr12-5949017-A-C. GRCh37 (hg19) VCF-style: chr12-6058183-A-C.
Other names: p.*2814Glye*t*38.
Identifiers: ClinVar variation 2683177 (VCV002683177.1), dbSNP rs2497343103, ClinGen allele CA383486153.
Genomic context (GRCh38, chr12:5,949,017, plus strand): 5'-TGGCCTGGCCATCAGGCCAAGGCAGGCAGCAGCAGGCACCCATGCAGCTGCAGCAGCCTC[A>C]CTTGCTGCACTTCCTGGGGGAGCATTTGCACTCCATGGCATTGAGAACCTCATGGTACAC-3'

ClinVar aggregate classification (germline): Uncertain significance (1 of 4 stars; one submission).

Submission:

Mayo Clinic Laboratories, Mayo Clinic
Classification: Uncertain significance. Last evaluated: 2022-11-17. Review status: criteria provided, single submitter. Criteria: ACMG Guidelines, 2015. Collection method: clinical testing. Allele origin: germline. Observed: 2 variant alleles.
Comment: PM2, PM4